The following is an entry in ClinVar:

ClinVar aggregate classification (germline): Uncertain significance (1 of 4 stars; one submission).

Submission:

Labcorp Genetics (formerly Invitae), Labcorp
Classification: Uncertain significance. Last evaluated: 2025-10-07. Review status: criteria provided, single submitter. Criteria: Invitae Variant Classification Sherloc (09022015). Collection method: clinical testing. Allele origin: germline.
Comment: This variant, c.2558_2560del, results in the deletion of 1 amino acid(s) of the ROR2 protein (p.Pro853del), but otherwise preserves the integrity of the reading frame. This variant is present in population databases (rs772604181, gnomAD 0.01%). This variant has not been reported in the literature in individuals affected with ROR2-related conditions. Experimental studies and prediction algorithms are not available or were not evaluated, and the functional significance of this variant is currently unknown. In summary, the available evidence is currently insufficient to determine the role of this variant in disease. Therefore, it has been classified as a Variant of Uncertain Significance.

NM_004560.4(ROR2):c.2555CTC[1] (p.Pro853del)

Gene: ROR2 (receptor tyrosine kinase like orphan receptor 2; minus strand). Cytogenetic location: 9q22.31.
Variant type: Microsatellite.
Coding change: c.2555CTC[1] on transcript NM_004560.4 (MANE Select); one copy of the 3-base unit CTC starting at c.2555; the reference has two copies in a row; one copy, 3 bases deleted.
Protein change: p.Pro853del; deletes proline 853.
Molecular consequence: inframe deletion.
Genome position (GRCh38, 1-based): chr9:91,723,934-91,723,936, GAG deleted on the plus strand (CTC on the coding strand, the reverse complement: ROR2 is on the minus strand); deleting any 3 consecutive bases within chr9:91,723,934-91,723,940 gives the same sequence; the position shown is the placement nearest the transcript's 3' end. VCF-style (leftmost placement, unchanged base first): chr9-91723933-TGAG-T. GRCh37 (hg19) VCF-style: chr9-94486215-TGAG-T.
Other names: short protein forms P853del.
Identifiers: ClinVar variation 1388874 (VCV001388874.6), dbSNP rs772604181, ClinGen allele CA5120360.
Genomic context (GRCh38, chr9:91,723,933, plus strand): 5'-ACGTAGCCTGTGCTGGTGGAGCCACTGCCACTGTGGTGTGAGCTGGGCTTGGGGACCATC[TGAG>T]GAGGCACCTGCTGCGGGGCCATCTGCATTGGGATCTGCACCGGGTAGAAGTTGGGCAGGT-3'